The following is an entry in ClinVar:

NM_138927.4(SON):c.606A>G (p.Leu202=)

Gene: SON (SON DNA and RNA binding protein; plus strand). Cytogenetic location: 21q22.11.
Variant type: single nucleotide variant.
Coding change: c.606A>G on transcript NM_138927.4 (MANE Select); coding-DNA position 606, A replaced by G.
Protein change: p.Leu202=; no amino-acid change (leucine 202 retained).
Molecular consequence: synonymous variant. On other transcripts: non-coding transcript variant (1), intron variant (1).
Genome position (GRCh38, 1-based): chr21:33,549,837, A>G. VCF-style: chr21-33549837-A-G. GRCh37 (hg19) VCF-style: chr21-34922143-A-G.
Other names: c.606A>G, p.Leu202= (NM_001291411.2, NM_032195.3); c.244+3458A>G (NM_001291412.3).
Identifiers: ClinVar variation 1669966 (VCV001669966.10), dbSNP rs377759646, ClinGen allele CA10008720.

ClinVar aggregate classification (germline): Likely benign. Review status: criteria provided, multiple submitters, no conflicts (2 of 4 stars). 2 submissions from 2 submitters: Likely benign (2). Last evaluated 2026-06-01.

Allele frequency attached by ClinVar (database versions not stated): ExAC 0.00001; gnomAD 0.00001; gnomAD exomes 0.00001 and 0.00002; TOPMed 0.00002; ESP Exome Variant Server 0.00008.

Submissions (2):

CeGaT Center for Human Genetics Tuebingen
Classification: Likely benign. Last evaluated: 2026-06-01. Review status: criteria provided, single submitter. Criteria: CeGaT Center For Human Genetics Tuebingen Variant Classification Criteria Version 2. Collection method: clinical testing. Allele origin: germline. Affected: yes. Observed: 1 variant allele.
Comment: SON: BP4, BP7

Labcorp Genetics (formerly Invitae), Labcorp
Classification: Likely benign. Last evaluated: 2025-06-17. Review status: criteria provided, single submitter. Criteria: Invitae Variant Classification Sherloc (09022015). Collection method: clinical testing. Allele origin: germline.